The following is an entry in ClinVar:

NM_005055.5(RAPSN):c.1115A>G (p.Glu372Gly)

Gene: RAPSN (receptor associated protein of the synapse; minus strand). Cytogenetic location: 11p11.2.
Variant type: single nucleotide variant.
Coding change: c.1115A>G on transcript NM_005055.5 (MANE Select); coding-DNA position 1115, A replaced by G.
Protein change: p.Glu372Gly; replaces glutamic acid 372 with glycine.
Molecular consequence: missense variant.
Genome position (GRCh38, 1-based): chr11:47,438,783, T>C on the plus strand (A>G on the coding strand, the complement: RAPSN is on the minus strand). VCF-style: chr11-47438783-T-C. GRCh37 (hg19) VCF-style: chr11-47460334-T-C.
Other names: c.1115A>G (NM_005055.4); c.938A>G, p.Glu313Gly (NM_032645.5); short protein forms E313G, E372G.
Identifiers: ClinVar variation 1439494 (VCV001439494.7), dbSNP rs768059942, ClinGen allele CA5976498.

ClinVar aggregate classification (germline): Uncertain significance. Review status: criteria provided, multiple submitters, no conflicts (2 of 4 stars). 2 submissions from 2 submitters: Uncertain significance (2). Last evaluated 2021-09-17.

Conditions:
Fetal akinesia deformation sequence 1 (FADS1). Also called: Pena-Shokeir syndrome type I; Fetal akinesia sequence. Identifiers: Orphanet 994, MedGen C1276035, MONDO:0100101, OMIM 208150, HP:0001989.
Congenital myasthenic syndrome 11. Also called: Myasthenic syndrome, congenital, 11, associated with acetylcholine receptor deficiency; MYASTHENIC SYNDROME, CONGENITAL, Ie. Identifiers: Orphanet 590, MedGen C4225367, MONDO:0014588, OMIM 616326.

Allele frequency attached by ClinVar (database versions not stated): gnomAD exomes 0.00001; gnomAD 0.00002 and 0.00003; TOPMed 0.00002; ExAC 0.00003; 1000 Genomes Project 30x 0.00031.
gnomAD v4.1: 7 of 1,568,342 alleles (0.00045%); highest among the groups gnomAD compares: African/African-American, 0.0094%; no homozygotes.

Submissions (2):

Labcorp Genetics (formerly Invitae), Labcorp
Classification: Uncertain significance for Congenital myasthenic syndrome 11; Fetal akinesia deformation sequence 1. Last evaluated: 2021-09-17. Review status: criteria provided, single submitter. Criteria: Invitae Variant Classification Sherloc (09022015). Collection method: clinical testing. Allele origin: germline.
Comment: This sequence change replaces glutamic acid with glycine at codon 372 of the RAPSN protein (p.Glu372Gly). The glutamic acid residue is highly conserved and there is a moderate physicochemical difference between glutamic acid and glycine. The frequency data for this variant in the population databases is considered unreliable, as metrics indicate poor data quality at this position in the ExAC database. This variant has not been reported in the literature in individuals with RAPSN-related conditions. Algorithms developed to predict the effect of missense changes on protein structure and function are either unavailable or do not agree on the potential impact of this missense change (SIFT: "Deleterious"; PolyPhen-2: "Possibly Damaging"; Align-GVGD: "Class C0"). In summary, the available evidence is currently insufficient to determine the role of this variant in disease. Therefore, it has been classified as a Variant of Uncertain Significance.

Revvity Omics, Revvity
Classification: Uncertain significance. Last evaluated: 2019-08-07. Review status: criteria provided, single submitter. Criteria: ACMG Guidelines, 2015. Collection method: clinical testing. Allele origin: germline.